The following is an entry in ClinVar:

NM_000303.3(PMM2):c.487A>C (p.Lys163Gln)

Gene: PMM2 (phosphomannomutase 2; plus strand). Cytogenetic location: 16p13.2.
Variant type: single nucleotide variant.
Coding change: c.487A>C on transcript NM_000303.3 (MANE Select); coding-DNA position 487, A replaced by C.
Protein change: p.Lys163Gln; replaces lysine 163 with glutamine.
Molecular consequence: missense variant.
Genome position (GRCh38, 1-based): chr16:8,811,677, A>C. VCF-style: chr16-8811677-A-C. GRCh37 (hg19) VCF-style: chr16-8905534-A-C.
Other names: c.487A>C (NM_000303.2); short protein forms K163Q.
Identifiers: ClinVar variation 1045231 (VCV001045231.12), dbSNP rs138383066, ClinGen allele CA7894092.
Genomic context (GRCh38, chr16:8,811,677, plus strand): 5'-GTATCTTTTTGTTTTTCTCAGAAAGAAAATATAAGACAAAAGTTTGTAGCAGATCTACGG[A>C]AAGAGTTTGCTGGAAAAGGCCTCACGTTTTCCATAGGTATTGTATATATTGCCTGTGTTC-3'
Protein context (NP_000294.1, residues 153-173): IRQKFVADLR[Lys163Gln]EFAGKGLTFS

ClinVar aggregate classification (germline): Uncertain significance. Review status: criteria provided, multiple submitters, no conflicts (2 of 4 stars). 4 submissions from 4 submitters: Uncertain significance (3). 1 of the submissions does not count toward it. Last evaluated 2025-04-07.

Conditions:
PMM2-congenital disorder of glycosylation. Also called: CDG Ia; PMM2-CDG; PHOSPHOMANNOMUTASE 2 DEFICIENCY; CARBOHYDRATE-DEFICIENT GLYCOPROTEIN SYNDROME, TYPE Ia; JAEKEN SYNDROME; Congenital disorder of glycosylation, type Ia. Identifiers: Orphanet 79318, MedGen C0349653, MONDO:0008907, OMIM 212065.
Inborn genetic diseases. Identifiers: MedGen C0950123, MeSH D030342.

Allele frequency attached by ClinVar (database versions not stated): gnomAD exomes below 0.00001 and 0.00001; ExAC 0.00002; gnomAD 0.00005 and 0.00006; TOPMed 0.00005; ESP Exome Variant Server 0.00015.
gnomAD v4.1: 11 of 1,613,334 alleles (0.00068%); highest among the groups gnomAD compares: African/African-American, 0.012%; no homozygotes.

Submissions (4):

Ambry Genetics
Classification: Uncertain significance for Inborn genetic diseases. Last evaluated: 2025-04-07. Review status: criteria provided, single submitter. Criteria: Ambry Variant Classification Scheme 2023. Collection method: clinical testing. Allele origin: germline.

Fulgent Genetics
Classification: Uncertain significance for PMM2-congenital disorder of glycosylation. Last evaluated: 2021-10-29. Review status: criteria provided, single submitter. Criteria: ACMG Guidelines, 2015. Collection method: clinical testing. Allele origin: unknown.

Labcorp Genetics (formerly Invitae), Labcorp
Classification: Uncertain significance for PMM2-congenital disorder of glycosylation. Last evaluated: 2021-08-28. Review status: criteria provided, single submitter. Criteria: Invitae Variant Classification Sherloc (09022015). Collection method: clinical testing. Allele origin: germline.
Comment: This sequence change replaces lysine with glutamine at codon 163 of the PMM2 protein (p.Lys163Gln). The lysine residue is moderately conserved and there is a small physicochemical difference between lysine and glutamine. This variant is present in population databases (rs138383066, ExAC 0.02%). This variant has not been reported in the literature in individuals affected with PMM2-related conditions. Algorithms developed to predict the effect of missense changes on protein structure and function (SIFT, PolyPhen-2, Align-GVGD) all suggest that this variant is likely to be tolerated. In summary, the available evidence is currently insufficient to determine the role of this variant in disease. Therefore, it has been classified as a Variant of Uncertain Significance.

Natera, Inc.
Classification: Uncertain significance for Congenital disorder of glycosylation type 1a. Last evaluated: 2020-08-27. Review status: no assertion criteria provided. Collection method: clinical testing. Allele origin: germline. Not counted in ClinVar's aggregate classification.